The following is an entry in ClinVar:

NM_003079.5(SMARCE1):c.542-2A>G

Gene: SMARCE1 (SWI/SNF related BAF chromatin remodeling complex subunit E1; minus strand). Cytogenetic location: 17q21.2.
Variant type: single nucleotide variant.
Coding change: c.542-2A>G on transcript NM_003079.5 (MANE Select); the canonical splice acceptor site of the intron before coding-DNA position 542, A replaced by G.
Molecular consequence: splice acceptor variant.
Genome position (GRCh38, 1-based): chr17:40,632,369, T>C on the plus strand (A>G on the coding strand, the complement: SMARCE1 is on the minus strand). VCF-style: chr17-40632369-T-C. GRCh37 (hg19) VCF-style: chr17-38788621-T-C.
Identifiers: ClinVar variation 1067628 (VCV001067628.7), dbSNP rs2143988635, ClinGen allele CA399364977.

ClinVar aggregate classification (germline): Likely pathogenic (1 of 4 stars; one submission).

Conditions:
Familial meningioma. Also called: Meningioma, familial, susceptibility to. Identifiers: Orphanet 263662, MedGen C3551915, MONDO:0011789, OMIM 607174.

Submission:

Labcorp Genetics (formerly Invitae), Labcorp
Classification: Likely pathogenic for Familial meningioma. Last evaluated: 2020-03-06. Review status: criteria provided, single submitter. Criteria: Invitae Variant Classification Sherloc (09022015). Collection method: clinical testing. Allele origin: germline.
Comment: In summary, the currently available evidence indicates that the variant is pathogenic, but additional data are needed to prove that conclusively. Therefore, this variant has been classified as Likely Pathogenic. Donor and acceptor splice site variants typically lead to a loss of protein function (PMID: 16199547), and loss-of-function variants in SMARCE1 are known to be pathogenic (PMID: 23377182). This variant has not been reported in the literature in individuals with SMARCE1-related conditions. This variant is not present in population databases (ExAC no frequency). This sequence change affects an acceptor splice site in intron 7 of the SMARCE1 gene. It is expected to disrupt RNA splicing and likely results in an absent or disrupted protein product.

Literature cited by the submitters: PubMed 16199547; PubMed 23377182.